The following is an entry in ClinVar:

ClinVar aggregate classification (germline): Pathogenic (1 of 4 stars; one submission).

Conditions:
Autosomal dominant optic atrophy classic form (OPA1). Also called: KJER-TYPE OPTIC ATROPHY; OPTIC ATROPHY, JUVENILE; Optic Atrophy Type 1. Identifiers: Orphanet 98673, MedGen C0338508, MONDO:0008134, OMIM 165500.

Submission:

Institute of Human Genetics, University of Leipzig Medical Center
Classification: Pathogenic for Autosomal dominant optic atrophy classic form. Last evaluated: 2026-01-08. Review status: criteria provided, single submitter. Criteria: ACMG Guidelines, 2015. Collection method: clinical testing. Allele origin: unknown. Inheritance: Autosomal dominant inheritance. Affected: yes.
Comment: Criteria applied: PVS1,PM2

NM_130837.3(OPA1):c.33-280_180del

Gene: OPA1 (OPA1 mitochondrial dynamin like GTPase; plus strand). Cytogenetic location: 3q29.
Variant type: Deletion.
Coding change: c.33-280_180del on transcript NM_130837.3 (MANE Select); 280 bases into the intron before coding-DNA position 33 through coding-DNA position 180, 428 bases deleted.
Molecular consequence: splice acceptor variant.
Genome position (GRCh38, 1-based): chr3:193,614,443-193,614,870, 428 bases deleted. GRCh37 (hg19): chr3:193,332,232-193,332,659.
Other names: c.-340-280_-193del (NM_001354664.2, NM_001354663.2); c.33-280_180del (NM_130834.3, NM_130836.3, NM_015560.3 and 4 more transcripts).
Identifiers: ClinVar variation 4819126 (VCV004819126.1).